The following is an entry in ClinVar:

NM_004646.4(NPHS1):c.3414_3417del (p.Tyr1139fs)

Gene: NPHS1 (NPHS1 adhesion molecule, nephrin; minus strand). Cytogenetic location: 19q13.12.
Variant type: Deletion.
Coding change: c.3414_3417del on transcript NM_004646.4 (MANE Select); coding-DNA positions 3414 to 3417, 4 bases deleted (TTAC; older notation c.3414_3417delTTAC).
Protein change: p.Tyr1139fs; shifts the reading frame from tyrosine 1139.
Molecular consequence: frameshift variant.
Genome position (GRCh38, 1-based): chr19:35,831,117-35,831,120, GTAA deleted on the plus strand (TTAC on the coding strand, the reverse complement: NPHS1 is on the minus strand). VCF-style (leftmost placement, unchanged base first): chr19-35831116-GGTAA-G. GRCh37 (hg19) VCF-style: chr19-36322018-GGTAA-G.
Other names: short protein forms Y1139fs.
Identifiers: ClinVar variation 3900704 (VCV003900704.1).
Genomic context (GRCh38, chr19:35,831,116, plus strand): 5'-GGGAATAAGACACCTCCTCCTGCGTCGGGGGCAGCTGGGGGCTGAAGTCCCTCAGGGAGC[GGTAA>G]TACGGCTCTGCCTCTGTTGTGCTGACCTGTTCCCCACACGCAAAACAAACAAAGCCCTTT-3'

ClinVar aggregate classification (germline): Pathogenic (1 of 4 stars; one submission).

Conditions:
Finnish congenital nephrotic syndrome (NPHS1). Also called: NEPHROTIC SYNDROME, TYPE 1. Identifiers: Orphanet 839, MedGen C0403399, MONDO:0009732, OMIM 256300.

Submission:

MVZ Medizinische Genetik Mainz
Classification: Pathogenic for Finnish congenital nephrotic syndrome. Last evaluated: 2025-05-05. Review status: criteria provided, single submitter. Criteria: UK Practice Guidelines For Variant Classification V4 01 2020. Collection method: clinical testing. Allele origin: germline. Inheritance: Autosomal recessive inheritance. Affected: yes. Observed: 1 variant allele.
Comment: ACMG Criteria: PVS1,PM2_SUP,PM3_SUP,PP4